The following is an entry in ClinVar:

NM_032492.4(JAGN1):c.*9T>C

Gene: JAGN1 (jagunal vesicle mediated transporter 1; plus strand). Cytogenetic location: 3p25.3.
Variant type: single nucleotide variant.
Coding change: c.*9T>C on transcript NM_032492.4 (MANE Select); 9 bases downstream of the stop codon, T replaced by C.
Molecular consequence: 3 prime UTR variant.
Genome position (GRCh38, 1-based): chr3:9,893,386, T>C. VCF-style: chr3-9893386-T-C. GRCh37 (hg19) VCF-style: chr3-9935070-T-C.
Other names: c.*9T>C (NM_001363890.1).
Identifiers: ClinVar variation 1698838 (VCV001698838.6), dbSNP rs11554811, ClinGen allele CA2245919.

ClinVar aggregate classification (germline): Benign/Likely benign. Review status: criteria provided, multiple submitters, no conflicts (2 of 4 stars). 4 submissions from 4 submitters: Benign (3); Likely benign (1). Last evaluated 2026-01-23.

Conditions:
Autosomal recessive severe congenital neutropenia due to JAGN1 deficiency. Also called: Severe congenital neutropenia 6, autosomal recessive. Identifiers: Orphanet 423384, MedGen C4014954, MONDO:0014456, OMIM 616022.

Allele frequency attached by ClinVar (database versions not stated): 1000 Genomes Project 0.00160; 1000 Genomes Project 30x 0.00203; ESP Exome Variant Server 0.00892.

Submissions (4):

Women's Health and Genetics/Laboratory Corporation of America, LabCorp
Classification: Benign. Last evaluated: 2026-01-23. Review status: criteria provided, single submitter. Criteria: LabCorp Variant Classification Summary - May 2015. Collection method: clinical testing. Allele origin: germline.

Blueprint Genetics
Classification: Likely benign. Last evaluated: 2024-11-22. Review status: criteria provided, single submitter. Criteria: ACMG Guidelines, 2015. Collection method: clinical testing. Allele origin: germline.

Mayo Clinic Laboratories, Mayo Clinic
Classification: Benign. Last evaluated: 2023-11-21. Review status: criteria provided, single submitter. Criteria: ACMG Guidelines, 2015. Collection method: clinical testing. Allele origin: germline. Observed: 7 variant alleles.
Comment: BS1, BS2, BP4

Genetics and Molecular Pathology, SA Pathology
Classification: Benign for Autosomal recessive severe congenital neutropenia due to JAGN1 deficiency. Last evaluated: 2021-01-19. Review status: criteria provided, single submitter. Criteria: ACMG Guidelines, 2015. Collection method: clinical testing. Allele origin: germline. Inheritance: Autosomal recessive inheritance. Affected: yes.